The following is an entry in ClinVar:

NC_000001.10:g.(?_3102679)_(3160711_?)dup

Gene: PRDM16 (PR/SET domain 16; plus strand). Cytogenetic location: 1p36.32.
Variant type: Duplication.
Identifiers: ClinVar variation 1000456 (VCV001000456.1).

ClinVar aggregate classification (germline): Uncertain significance (1 of 4 stars; one submission).

Conditions:
Left ventricular noncompaction 8 (LVNC8). Identifiers: Orphanet 154, Orphanet 54260, MedGen C3809288, MONDO:0014152, OMIM 615373.

Submission:

Labcorp Genetics (formerly Invitae), Labcorp
Classification: Uncertain significance for Left ventricular noncompaction 8. Last evaluated: 2019-02-20. Review status: criteria provided, single submitter. Criteria: Invitae Variant Classification Sherloc (09022015). Collection method: clinical testing. Allele origin: germline.
Comment: This variant results in a copy number gain of the genomic region encompassing exons 2-3 of the PRDM16 gene. While the exact position of this variant cannot be determined from this data, sub-genic copy number gains are generally in tandem (PMID: 25640679) and may result in an absent or disrupted protein product. This variant has not been reported in the literature in individuals with PRDM16-related conditions. The current clinical and genetic evidence is not sufficient to establish whether loss-of-function variants in PRDM16 cause disease. In summary, the available evidence is currently insufficient to determine the role of this variant in disease. Therefore, it has been classified as a Variant of Uncertain Significance.

Literature cited by the submitters: PubMed 25640679.